The following is an entry in ClinVar:

NM_022132.5(MCCC2):c.1667C>T (p.Thr556Ile)

Gene: MCCC2 (methylcrotonyl-CoA carboxylase subunit 2; plus strand). Cytogenetic location: 5q13.2.
Variant type: single nucleotide variant.
Coding change: c.1667C>T on transcript NM_022132.5 (MANE Select); coding-DNA position 1667, C replaced by T.
Protein change: p.Thr556Ile; replaces threonine 556 with isoleucine.
Molecular consequence: missense variant.
Genome position (GRCh38, 1-based): chr5:71,656,835, C>T. VCF-style: chr5-71656835-C-T. GRCh37 (hg19) VCF-style: chr5-70952662-C-T.
Other names: c.1553C>T, p.Thr518Ile (NM_001363147.1); short protein forms T518I, T556I.
Identifiers: ClinVar variation 1483322 (VCV001483322.10), dbSNP rs1049171546, ClinGen allele CA120008692.

ClinVar aggregate classification (germline): Conflicting classifications of pathogenicity. Review status: criteria provided, conflicting classifications (1 of 4 stars). 2 submissions from 2 submitters: Likely pathogenic (1); Uncertain significance (1). Last evaluated 2025-08-01.

Conditions:
3-methylcrotonyl-CoA carboxylase 2 deficiency. Also called: METHYLCROTONYLGLYCINURIA, TYPE II; 3 alpha methylcrotonyl-CoA carboxylase 2 deficiency; 3 alpha methylcrotonylglycinuria 2; MCC 2 deficiency; Methylcrotonylglycinuria type 2. Identifiers: Orphanet 6, MedGen C1859499, MONDO:0008862, OMIM 210210.

Submissions (2):

Women's Health and Genetics/Laboratory Corporation of America, LabCorp
Classification: Uncertain significance. Last evaluated: 2025-08-01. Review status: criteria provided, single submitter. Criteria: LabCorp Variant Classification Summary - May 2015. Collection method: clinical testing. Allele origin: germline.
Comment: Variant summary: MCCC2 c.1667C>T (p.Thr556Ile) results in a non-conservative amino acid change in the encoded protein sequence. Algorithms developed to predict the effect of missense changes on protein structure and function all suggest that this variant is likely to be disruptive. The variant was absent in 251428 control chromosomes. c.1667C>T has been observed in individuals affected with Methylcrotonyl-CoA Carboxylase Deficiency, including one individual who was asymptomatic (Kor_2015, internal data). These data indicate that the variant may be associated with disease. To our knowledge, no experimental evidence demonstrating an impact on protein function has been reported. The following publication has been ascertained in the context of this evaluation (PMID: 25381946). ClinVar contains an entry for this variant (Variation ID: 1483322). Based on the evidence outlined above, the variant was classified as VUS-possibly pathogenic.

Labcorp Genetics (formerly Invitae), Labcorp
Classification: Likely pathogenic for 3-methylcrotonyl-CoA carboxylase 2 deficiency. Last evaluated: 2023-12-30. Review status: criteria provided, single submitter. Criteria: Invitae Variant Classification Sherloc (09022015). Collection method: clinical testing. Allele origin: germline.
Comment: This sequence change replaces threonine, which is neutral and polar, with isoleucine, which is neutral and non-polar, at codon 556 of the MCCC2 protein (p.Thr556Ile). This variant is not present in population databases (gnomAD no frequency). This missense change has been observed in individuals with 3-methylcrotonyl-CoA carboxylase deficiency (PMID: 25381946; Invitae). ClinVar contains an entry for this variant (Variation ID: 1483322). Advanced modeling of protein sequence and biophysical properties (such as structural, functional, and spatial information, amino acid conservation, physicochemical variation, residue mobility, and thermodynamic stability) performed at Invitae indicates that this missense variant is expected to disrupt MCCC2 protein function with a positive predictive value of 95%. In summary, the currently available evidence indicates that the variant is pathogenic, but additional data are needed to prove that conclusively. Therefore, this variant has been classified as Likely Pathogenic.

Literature cited by the submitters: PubMed 25381946 (cited by Women's Health and Genetics/Laboratory Corporation of America, LabCorp and Labcorp Genetics (formerly Invitae), Labcorp).